The following is an entry in ClinVar:

NM_032730.5(RTN4IP1):c.679del (p.Ala227fs)

Gene: RTN4IP1 (reticulon 4 interacting protein 1; minus strand). Cytogenetic location: 6q21.
Variant type: Deletion.
Coding change: c.679del on transcript NM_032730.5 (MANE Select); coding-DNA position 679, one base deleted (G; older notation c.679delG).
Protein change: p.Ala227fs; shifts the reading frame from alanine 227.
Molecular consequence: frameshift variant.
Genome position (GRCh38, 1-based): chr6:106,592,291, C deleted on the plus strand (G on the coding strand, the reverse complement: RTN4IP1 is on the minus strand). VCF-style (leftmost placement, unchanged base first): chr6-106592290-GC-G. GRCh37 (hg19) VCF-style: chr6-107040165-GC-G.
Other names: c.379del, p.Ala127fs (NM_001318746.1); short protein forms A127fs, A227fs.
Identifiers: ClinVar variation 2002548 (VCV002002548.4), dbSNP rs2482333343, ClinGen allele CA2580074705.

ClinVar aggregate classification (germline): Pathogenic (1 of 4 stars; one submission).

Submission:

Labcorp Genetics (formerly Invitae), Labcorp
Classification: Pathogenic. Last evaluated: 2023-10-13. Review status: criteria provided, single submitter. Criteria: Invitae Variant Classification Sherloc (09022015). Collection method: clinical testing. Allele origin: germline.
Comment: This sequence change creates a premature translational stop signal (p.Ala227Hisfs*6) in the RTN4IP1 gene. It is expected to result in an absent or disrupted protein product. Loss-of-function variants in RTN4IP1 are known to be pathogenic (PMID: 26593267). This variant is not present in population databases (gnomAD no frequency). This variant has not been reported in the literature in individuals affected with RTN4IP1-related conditions. ClinVar contains an entry for this variant (Variation ID: 2002548). For these reasons, this variant has been classified as Pathogenic.

Literature cited by the submitters: PubMed 26593267.